The following is an entry in ClinVar:

NM_001330260.2(SCN8A):c.5441C>G (p.Ala1814Gly)

Gene: SCN8A (sodium voltage-gated channel alpha subunit 8; plus strand). Cytogenetic location: 12q13.13.
Variant type: single nucleotide variant.
Coding change: c.5441C>G on transcript NM_001330260.2 (MANE Select); coding-DNA position 5441, C replaced by G.
Protein change: p.Ala1814Gly; replaces alanine 1814 with glycine.
Molecular consequence: missense variant.
Genome position (GRCh38, 1-based): chr12:51,806,927, C>G. VCF-style: chr12-51806927-C-G. GRCh37 (hg19) VCF-style: chr12-52200711-C-G.
Other names: c.5318C>G, p.Ala1773Gly (NM_001177984.3, NM_001369788.1); c.5441C>G, p.Ala1814Gly (NM_014191.4); short protein forms A1773G, A1814G.
Identifiers: ClinVar variation 1020583 (VCV001020583.9), dbSNP rs1938717640, ClinGen allele CA384886187.
Genomic context (GRCh38, chr12:51,806,927, plus strand): 5'-AGTTCGACCCCGATGCCACCCAGTTCATTGAGTACTGTAAGCTGGCAGACTTTGCAGATG[C>G]CTTGGAGCATCCTCTCCGAGTGCCCAAGCCCAATACCATTGAGCTCATCGCTATGGATCT-3'
Protein context (NP_001317189.1, residues 1804-1824): EYCKLADFAD[Ala1814Gly]LEHPLRVPKP

ClinVar aggregate classification (germline): Uncertain significance (1 of 4 stars; one submission).

Conditions:
Early-infantile DEE. Also called: Ohtahara syndrome; Early infantile epileptic encephalopathy; Early infantile epileptic encephalopathy with suppression bursts. Identifiers: Orphanet 1934, MedGen C0393706, MONDO:0800491.

Submission:

Labcorp Genetics (formerly Invitae), Labcorp
Classification: Uncertain significance for Early-infantile DEE. Last evaluated: 2024-03-03. Review status: criteria provided, single submitter. Criteria: Invitae Variant Classification Sherloc (09022015). Collection method: clinical testing. Allele origin: germline.
Comment: This sequence change replaces alanine, which is neutral and non-polar, with glycine, which is neutral and non-polar, at codon 1814 of the SCN8A protein (p.Ala1814Gly). This variant is not present in population databases (gnomAD no frequency). This variant has not been reported in the literature in individuals affected with SCN8A-related conditions. ClinVar contains an entry for this variant (Variation ID: 1020583). Advanced modeling of protein sequence and biophysical properties (such as structural, functional, and spatial information, amino acid conservation, physicochemical variation, residue mobility, and thermodynamic stability) performed at Invitae indicates that this missense variant is not expected to disrupt SCN8A protein function with a negative predictive value of 95%. In summary, the available evidence is currently insufficient to determine the role of this variant in disease. Therefore, it has been classified as a Variant of Uncertain Significance.